The following is an entry in ClinVar:

NM_018082.6(POLR3B):c.485C>T (p.Pro162Leu)

Gene: POLR3B (RNA polymerase III subunit B; plus strand). Cytogenetic location: 12q23.3.
Variant type: single nucleotide variant.
Coding change: c.485C>T on transcript NM_018082.6 (MANE Select); coding-DNA position 485, C replaced by T.
Protein change: p.Pro162Leu; replaces proline 162 with leucine.
Molecular consequence: missense variant.
Genome position (GRCh38, 1-based): chr12:106,376,439, C>T. VCF-style: chr12-106376439-C-T. GRCh37 (hg19) VCF-style: chr12-106770217-C-T.
Other names: c.311C>T, p.Pro104Leu (NM_001160708.2); short protein forms P104L, P162L.
Identifiers: ClinVar variation 5017730 (VCV005017730.1).

ClinVar aggregate classification (germline): Uncertain significance (1 of 4 stars; one submission).

Submission:

GeneDx
Classification: Uncertain significance. Last evaluated: 2026-03-27. Review status: criteria provided, single submitter. Criteria: GeneDx Variant Classification Process June 2021. Collection method: clinical testing. Allele origin: germline.
Comment: Not observed at significant frequency in large population cohorts (gnomAD); In silico analysis supports that this missense variant has a deleterious effect on protein structure/function; Has not been previously published as pathogenic or benign to our knowledge